The following is an entry in ClinVar:

ClinVar aggregate classification (germline): Uncertain significance. Review status: criteria provided, multiple submitters, no conflicts (2 of 4 stars). 3 submissions from 3 submitters: Uncertain significance (3). Last evaluated 2025-01-15.

Conditions:
Hereditary cancer-predisposing syndrome. Also called: Neoplastic Syndromes, Hereditary; Tumor predisposition; Hereditary neoplastic syndrome; Hereditary Cancer Syndrome. Identifiers: Orphanet 140162, MedGen C0027672, MeSH D009386, MONDO:0015356.

gnomAD v4.1: 1 of 1,612,792 alleles (0.000062%); no homozygotes.

Submissions (3):

Ambry Genetics
Classification: Uncertain significance for Hereditary cancer-predisposing syndrome. Last evaluated: 2025-01-15. Review status: criteria provided, single submitter. Criteria: Ambry Variant Classification Scheme 2023. Collection method: clinical testing. Allele origin: germline.
Comment: The c.1106+4A>G intronic variant results from an A to G substitution 4 nucleotides after coding exon 11 in the POLE gene. This nucleotide position is well conserved in available vertebrate species. In silico splice site analysis predicts that this alteration will not have any significant effect on splicing. Based on the available evidence, the clinical significance of this variant remains unclear.

Quest Diagnostics Nichols Institute San Juan Capistrano
Classification: Uncertain significance. Last evaluated: 2024-10-16. Review status: criteria provided, single submitter. Criteria: Quest Diagnostics criteria. Collection method: clinical testing. Allele origin: unknown.
Comment: The POLE c.1106+4A>G variant has not been reported in individuals with POLE-related conditions in the published literature. It also has not been reported in large, multi-ethnic general populations (Genome Aggregation Database). Analysis of this variant using software algorithms for the prediction of the effect of nucleotide changes on splicing yielded predictions that this variant may affect proper POLE mRNA splicing. Based on the available information, we are unable to determine the clinical significance of this variant.

Labcorp Genetics (formerly Invitae), Labcorp
Classification: Uncertain significance. Last evaluated: 2023-10-03. Review status: criteria provided, single submitter. Criteria: Invitae Variant Classification Sherloc (09022015). Collection method: clinical testing. Allele origin: germline.
Comment: This sequence change falls in intron 11 of the POLE gene. It does not directly change the encoded amino acid sequence of the POLE protein. It affects a nucleotide within the consensus splice site. This variant is not present in population databases (gnomAD no frequency). This variant has not been reported in the literature in individuals affected with POLE-related conditions. ClinVar contains an entry for this variant (Variation ID: 2142814). Variants that disrupt the consensus splice site are a relatively common cause of aberrant splicing (PMID: 17576681, 9536098). Algorithms developed to predict the effect of sequence changes on RNA splicing suggest that this variant is not likely to affect RNA splicing. In summary, the available evidence is currently insufficient to determine the role of this variant in disease. Therefore, it has been classified as a Variant of Uncertain Significance.

Literature cited by the submitters: PubMed 17576681 (cited by Labcorp Genetics (formerly Invitae), Labcorp); PubMed 9536098 (cited by Labcorp Genetics (formerly Invitae), Labcorp).

NM_006231.4(POLE):c.1106+4A>G

Gene: POLE (DNA polymerase epsilon, catalytic subunit; minus strand). Cytogenetic location: 12q24.33.
Variant type: single nucleotide variant.
Coding change: c.1106+4A>G on transcript NM_006231.4 (MANE Select); 4 bases into the intron after coding-DNA position 1106, A replaced by G.
Molecular consequence: intron variant.
Genome position (GRCh38, 1-based): chr12:132,675,731, T>C on the plus strand (A>G on the coding strand, the complement: POLE is on the minus strand). VCF-style: chr12-132675731-T-C. GRCh37 (hg19) VCF-style: chr12-133252317-T-C.
Other names: c.1106+4A>G (NM_006231.3, NM_006231.2).
Identifiers: ClinVar variation 2142814 (VCV002142814.6), dbSNP rs2136010878, ClinGen allele CA2575359500.